The following is an entry in ClinVar:

NM_002742.3(PRKD1):c.2671del (p.His891fs)

Gene: PRKD1 (protein kinase D1; minus strand). Cytogenetic location: 14q12.
Variant type: Deletion.
Coding change: c.2671del on transcript NM_002742.3 (MANE Select); coding-DNA position 2671, one base deleted (C; older notation c.2671delC).
Protein change: p.His891fs; shifts the reading frame from histidine 891.
Molecular consequence: frameshift variant.
Genome position (GRCh38, 1-based): chr14:29,577,306, G deleted on the plus strand (C on the coding strand, the reverse complement: PRKD1 is on the minus strand); the first of 2 consecutive G bases (chr14:29,577,306-29,577,307); deleting either gives the same sequence. VCF-style (leftmost placement, unchanged base first): chr14-29577305-TG-T. GRCh37 (hg19) VCF-style: chr14-30046511-TG-T.
Other names: c.2695del, p.His899fs (NM_001330069.2); c.2407del, p.His803fs (NM_001348390.1); short protein forms H803fs, H891fs, H899fs.
Identifiers: ClinVar variation 3356429 (VCV003356429.1).
Genomic context (GRCh38, chr14:29,577,305, plus strand): 5'-ATGCTGACACGCTCACCGAGGGCTTTCATTTCTGTTTCTTCAGTCTCAGGAGTGTCACTG[TG>T]GCTAGCACTTGGATTGATCAGGTGTGTGGGGTACTGCAGCCCCTGCTCGCCTGCATACTT-3'

ClinVar aggregate classification (germline): Uncertain significance (0 of 4 stars; one submission).

Conditions:
PRKD1-related disorder. Also called: PRKD1-related condition.

Submission:

PreventionGenetics, part of Exact Sciences
Classification: Uncertain significance for PRKD1-related condition. Last evaluated: 2024-05-17. Review status: no assertion criteria provided. Collection method: clinical testing. Allele origin: germline.
Comment: The PRKD1 c.2695delC variant is predicted to result in a frameshift and premature protein termination (p.His899Thrfs*12). To our knowledge, this variant has not been reported in the literature or in a large population database, indicating this variant is rare. Although we suspect that this variant may be pathogenic, at this time, the clinical significance of this variant is uncertain due to the absence of conclusive functional and genetic evidence.